The following is an entry in ClinVar:

NM_006231.4(POLE):c.242C>T (p.Ala81Val)

Gene: POLE (DNA polymerase epsilon, catalytic subunit; minus strand). Cytogenetic location: 12q24.33.
Variant type: single nucleotide variant.
Coding change: c.242C>T on transcript NM_006231.4 (MANE Select); coding-DNA position 242, C replaced by T.
Protein change: p.Ala81Val; replaces alanine 81 with valine.
Molecular consequence: missense variant.
Genome position (GRCh38, 1-based): chr12:132,680,650, G>A on the plus strand (C>T on the coding strand, the complement: POLE is on the minus strand). VCF-style: chr12-132680650-G-A. GRCh37 (hg19) VCF-style: chr12-133257236-G-A.
Other names: c.242C>T (NM_006231.2); short protein forms A81V.
Identifiers: ClinVar variation 405857 (VCV000405857.10), dbSNP rs780246896, ClinGen allele CA6894402.
Genomic context (GRCh38, chr12:132,680,650, plus strand): 5'-CGCAGTCAGGGGCTTACCTTAAATCTGCTTCCGTCATCTTGAATAAAGTAGTAATCCACT[G>A]CACTGCCTAAGCGCTTATCTTCATCTAAAATCTCGGTCTACAAGAGAATCAGTCAACACA-3'
Protein context (NP_006222.2, residues 71-91): ILDEDKRLGS[Ala81Val]VDYYFIQDDG

ClinVar aggregate classification (germline): Uncertain significance. Review status: criteria provided, multiple submitters, no conflicts (2 of 4 stars). 3 submissions from 3 submitters: Uncertain significance (3). Last evaluated 2025-04-30.

Conditions:
Facial dysmorphism-immunodeficiency-livedo-short stature syndrome. Also called: Facial dysmorphism, immunodeficiency, livedo, and short stature; FILS syndrome. Identifiers: Orphanet 352712, MedGen C3554576, MONDO:0014058, OMIM 615139.
Colorectal cancer, susceptibility to, 12 (CRCS12). Also called: COLORECTAL CANCER, SUSCEPTIBILITY TO, ON CHROMOSOME 12q24. Identifiers: Orphanet 220460, MedGen C3554460, MONDO:0014038, OMIM 615083.
Intrauterine growth retardation, metaphyseal dysplasia, adrenal hypoplasia congenita, genital anomalies, and immunodeficiency. Also called: IMAGEI SYNDROME. Identifiers: MedGen C5193036, MONDO:0032684, OMIM 618336.
Hereditary cancer-predisposing syndrome. Also called: Hereditary Cancer Syndrome; Hereditary neoplastic syndrome; Neoplastic Syndromes, Hereditary; Tumor predisposition. Identifiers: Orphanet 140162, MedGen C0027672, MeSH D009386, MONDO:0015356.

Allele frequency attached by ClinVar (database versions not stated): gnomAD below 0.00001 and 0.00001; ExAC 0.00001; gnomAD exomes 0.00002.
gnomAD v4.1: 27 of 1,613,856 alleles (0.0017%); highest among the groups gnomAD compares: South Asian, 0.029%; no homozygotes.

Submissions (3):

Labcorp Genetics (formerly Invitae), Labcorp
Classification: Uncertain significance. Last evaluated: 2025-04-30. Review status: criteria provided, single submitter. Criteria: Invitae Variant Classification Sherloc (09022015). Collection method: clinical testing. Allele origin: germline.
Comment: This sequence change replaces alanine, which is neutral and non-polar, with valine, which is neutral and non-polar, at codon 81 of the POLE protein (p.Ala81Val). This variant is present in population databases (rs780246896, gnomAD 0.01%). This variant has not been reported in the literature in individuals affected with POLE-related conditions. ClinVar contains an entry for this variant (Variation ID: 405857). Invitae Evidence Modeling of protein sequence and biophysical properties (such as structural, functional, and spatial information, amino acid conservation, physicochemical variation, residue mobility, and thermodynamic stability) indicates that this missense variant is not expected to disrupt POLE protein function with a negative predictive value of 80%. In summary, the available evidence is currently insufficient to determine the role of this variant in disease. Therefore, it has been classified as a Variant of Uncertain Significance.

Department of Pathology and Laboratory Medicine, Sinai Health System
Classification: Uncertain significance for Colorectal cancer, susceptibility to, 12; Facial dysmorphism-immunodeficiency-livedo-short stature syndrome; Intrauterine growth retardation, metaphyseal dysplasia, adrenal hypoplasia congenita, genital anomalies, and immunodeficiency. Last evaluated: 2024-09-12. Review status: criteria provided, single submitter. Criteria: ACMG Guidelines, 2015. Collection method: clinical testing. Allele origin: germline.

Ambry Genetics
Classification: Uncertain significance for Hereditary cancer-predisposing syndrome. Last evaluated: 2023-11-28. Review status: criteria provided, single submitter. Criteria: Ambry Variant Classification Scheme 2023. Collection method: clinical testing. Allele origin: germline.
Comment: The p.A81V variant (also known as c.242C>T), located in coding exon 3 of the POLE gene, results from a C to T substitution at nucleotide position 242. The alanine at codon 81 is replaced by valine, an amino acid with similar properties. This amino acid position is conserved. In addition, this alteration is predicted to be tolerated by in silico analysis. Since supporting evidence is limited at this time, the clinical significance of this alteration remains unclear.